The following is an entry in ClinVar:

NM_007294.4(BRCA1):c.5366C>T (p.Ala1789Val)

Gene: BRCA1 (BRCA1 DNA repair associated; minus strand). Cytogenetic location: 17q21.31.
Variant type: single nucleotide variant.
Coding change: c.5366C>T on transcript NM_007294.4 (MANE Select); coding-DNA position 5366, C replaced by T.
Protein change: p.Ala1789Val; replaces alanine 1789 with valine.
Molecular consequence: missense variant. On other transcripts: non-coding transcript variant (1), intron variant (1).
Genome position (GRCh38, 1-based): chr17:43,049,161, G>A on the plus strand (C>T on the coding strand, the complement: BRCA1 is on the minus strand). VCF-style: chr17-43049161-G-A. GRCh37 (hg19) VCF-style: chr17-41201178-G-A.
Other names: c.5153C>T, p.Ala1718Val (NM_001407571.1, NM_001407896.1, NM_001407897.1 and 12 more transcripts); c.5432C>T, p.Ala1811Val (NM_001407581.1, NM_001407582.1); c.5429C>T, p.Ala1810Val (NM_001407583.1, NM_001407585.1, NM_001407587.1 and 1 more transcripts); c.5426C>T, p.Ala1809Val (NM_001407590.1, NM_001407591.1); c.5366C>T, p.Ala1789Val (NM_001407593.1, NM_001407594.1, NM_001407596.1 and 5 more transcripts); c.5363C>T, p.Ala1788Val (NM_001407619.1, NM_001407620.1, NM_001407621.1 and 14 more transcripts); c.5360C>T, p.Ala1787Val (NM_001407627.1, NM_001407638.1, NM_001407639.1 and 13 more transcripts); c.5357C>T, p.Ala1786Val (NM_001407644.1, NM_001407645.1); and 73 more; short protein forms A1789V, A1810V, A1742V, A685V, A1493V, A1620V, A1660V, A1677V.
Identifiers: ClinVar variation 865385 (VCV000865385.6), dbSNP rs2051085308, ClinGen allele CA10590735.
Genomic context (GRCh38, chr17:43,049,161, plus strand): 5'-ACAGGGCACCCAATACTTACTGTGCCAAGGGTGAATGATGAAAGCTCCTTCACCACAGAA[G>A]CACCACACAGCTGTACCATCCATTCCAGTTGATCTAAAATGGACATTTAGATGTAAAATC-3'
Protein context (NP_009225.1, residues 1779-1799): QLEWMVQLCG[Ala1789Val]SVVKELSSFT

ClinVar aggregate classification (germline): Likely pathogenic (1 of 4 stars; one submission).

Conditions:
Hereditary cancer-predisposing syndrome. Also called: Tumor predisposition; Hereditary Cancer Syndrome; Hereditary neoplastic syndrome; Neoplastic Syndromes, Hereditary. Identifiers: Orphanet 140162, MedGen C0027672, MeSH D009386, MONDO:0015356.

Submissions (2):

Ambry Genetics
Classification: Likely pathogenic for Hereditary cancer-predisposing syndrome. Last evaluated: 2024-12-13. Review status: criteria provided, single submitter. Criteria: Ambry Variant Classification Scheme 2023. Collection method: clinical testing. Allele origin: germline.
Comment: The p.A1789V variant (also known as c.5366C>T), located in coding exon 20 of the BRCA1 gene, results from a C to T substitution at nucleotide position 5366. The alanine at codon 1789 is replaced by valine, an amino acid with similar properties. One functional study found that this nucleotide substitution is non-functional in a high-throughput, genome editing, haploid cell survival assay (Findlay GM et al. Nature, 2018 10;562:217-222). This amino acid position is highly conserved in available vertebrate species. In addition, this alteration is predicted to be deleterious by in silico analysis. This variant is considered to be rare based on population cohorts in the Genome Aggregation Database (gnomAD). Based on the majority of available evidence to date, this variant is likely to be pathogenic.

Brotman Baty Institute, University of Washington
No classification provided (evidence only). Condition: Breast-ovarian cancer, familial 1. Review status: no classification provided. Collection method: in vitro. Allele origin: not applicable. Functional consequence: functionally_abnormal. Not counted in ClinVar's aggregate classification.
ClinVar note: "not provided" was previously submitted as the classification for the variant. However, the classification appeared to be based only on an observation of functional data so it was converted to no classification on 2025-07-30.

Literature cited by the submitters: PubMed 30209399 (cited by Ambry Genetics).